The following is an entry in ClinVar:

ClinVar aggregate classification (germline): Likely benign (1 of 4 stars; one submission).

Allele frequency attached by ClinVar (database versions not stated): gnomAD 0.00003; TOPMed 0.00006; gnomAD exomes 0.00007.
gnomAD v4.1: 116 of 1,551,486 alleles (0.0075%); highest among the groups gnomAD compares: Admixed American, 0.012%; no homozygotes.

Submission:

CeGaT Center for Human Genetics Tuebingen
Classification: Likely benign. Last evaluated: 2022-07-01. Review status: criteria provided, single submitter. Criteria: CeGaT Center For Human Genetics Tuebingen Variant Classification Criteria Version 2. Collection method: clinical testing. Allele origin: germline. Affected: yes. Observed: 1 variant allele.
Comment: IQCC: BP4, BP7

NM_018134.3(IQCC):c.42+210G>A

Gene: IQCC (IQ motif containing C; plus strand). Cytogenetic location: 1p35.2.
Variant type: single nucleotide variant.
Coding change: c.42+210G>A on transcript NM_018134.3 (MANE Select); 210 bases into the intron after coding-DNA position 42, G replaced by A.
Molecular consequence: intron variant. On other transcripts: synonymous variant (1).
Genome position (GRCh38, 1-based): chr1:32,205,933, G>A. VCF-style: chr1-32205933-G-A. GRCh37 (hg19) VCF-style: chr1-32671534-G-A.
Other names: c.252G>A, p.Ala84= (NM_001160042.2).
Identifiers: ClinVar variation 2638606 (VCV002638606.24), dbSNP rs1054221960, ClinGen allele CA20224085.
Genomic context (GRCh38, chr1:32,205,933, plus strand): 5'-GGAAAGCTGGGACCCACGGACTCCCTGCCCTGCGCGTCCCCACTCCCACCACACGCTCGC[G>A]CCGGATCAGGGAAACGGGAAGAGCCTTAAGGCGAGGAGGGGCATCCAGTCTGGCATCGTC-3'